The following is an entry in ClinVar:

ClinVar aggregate classification (germline): Uncertain significance (0 of 4 stars; one submission).

Conditions:
NLGN3-related disorder. Also called: NLGN3-related condition.

Submission:

PreventionGenetics, part of Exact Sciences
Classification: Uncertain significance for NLGN3-related condition. Last evaluated: 2024-02-02. Review status: no assertion criteria provided. Collection method: clinical testing. Allele origin: germline.
Comment: The NLGN3 c.549G>A variant is predicted to result in the amino acid substitution p.Met183Ile. To our knowledge, this variant has not been reported in the literature or in a large population database, indicating this variant is rare. At this time, the clinical significance of this variant is uncertain due to the absence of conclusive functional and genetic evidence.

NM_181303.2(NLGN3):c.609G>A (p.Met203Ile)

Gene: NLGN3 (neuroligin 3; plus strand). Cytogenetic location: Xq13.1.
Variant type: single nucleotide variant.
Coding change: c.609G>A on transcript NM_181303.2 (MANE Select); coding-DNA position 609, G replaced by A.
Protein change: p.Met203Ile; replaces methionine 203 with isoleucine.
Molecular consequence: missense variant.
Genome position (GRCh38, 1-based): chrX:71,155,245, G>A. VCF-style: chrX-71155245-G-A. GRCh37 (hg19) VCF-style: chrX-70375095-G-A.
Other names: c.489G>A, p.Met163Ile (NM_001166660.2); c.198G>A, p.Met66Ile (NM_001321276.2); c.549G>A, p.Met183Ile (NM_018977.4); short protein forms M163I, M183I, M203I, M66I.
Identifiers: ClinVar variation 3029832 (VCV003029832.2), dbSNP rs2519748919, ClinGen allele CA413552301.